The following is an entry in ClinVar:

ClinVar aggregate classification (germline): Likely pathogenic (1 of 4 stars; one submission).

Conditions:
Autosomal recessive Alport syndrome (ATS2). Also called: COL4A3-Related Nephropathy; COL4A4 Alport Syndrome and Thin Basement Membrane Nephropathy; ALPORT SYNDROME 2, AUTOSOMAL RECESSIVE; Alport syndrome type 2. Identifiers: Orphanet 63, Orphanet 88919, MedGen C4746745, MONDO:0008762, OMIM 203780.

Submission:

Myriad Genetics, Inc.
Classification: Likely pathogenic for Autosomal recessive Alport syndrome. Last evaluated: 2022-03-30. Review status: criteria provided, single submitter. Criteria: Myriad Women's Health Autosomal Recessive and X-Linked Classification Criteria (2021). Collection method: clinical testing. Allele origin: unknown.
Comment: NM_000092.4(COL4A4):c.3594delG(P1199Hfs*10) is expected to be pathogenic in the context of COL4A4-related Alport syndrome. This variant is predicted to lead to an abnormal or absent protein product due to the creation of a premature termination codon in COL4A4, a gene where loss-of-function variants are known to be pathogenic. Please note: this variant was assessed in the context of healthy population screening.

NM_000092.5(COL4A4):c.3594del (p.Pro1199fs)

Gene: COL4A4 (collagen type IV alpha 4 chain; minus strand). Cytogenetic location: 2q36.3.
Variant type: Deletion.
Coding change: c.3594del on transcript NM_000092.5 (MANE Select); coding-DNA position 3594, one base deleted (G; older notation c.3594delG).
Protein change: p.Pro1199fs; shifts the reading frame from proline 1199.
Molecular consequence: frameshift variant.
Genome position (GRCh38, 1-based): chr2:227,032,260, C deleted on the plus strand (G on the coding strand, the reverse complement: COL4A4 is on the minus strand); the first of 4 consecutive C bases (chr2:227,032,260-227,032,263); deleting any one gives the same sequence. VCF-style (leftmost placement, unchanged base first): chr2-227032259-GC-G. GRCh37 (hg19) VCF-style: chr2-227896975-GC-G.
Other names: short protein forms P1199fs.
Identifiers: ClinVar variation 1725602 (VCV001725602.2), dbSNP rs1968590611, ClinGen allele CA2580065888.
Genomic context (GRCh38, chr2:227,032,259, plus strand): 5'-CTGGGCTCCCAGGGTCTCCTCTCTCCCCTTTTAGCCCAGGTATTCCCACTGGACCAGGTG[GC>G]CCCACATCATGCAAACCTTAATGGGGAAAACAGAATTAATACTATATCTTCTCTTTTCTT-3'